The following is an entry in ClinVar:

ClinVar aggregate classification (germline): Uncertain significance (1 of 4 stars; one submission).

Allele frequency attached by ClinVar (database versions not stated): TOPMed below 0.00001.

Submission:

Labcorp Genetics (formerly Invitae), Labcorp
Classification: Uncertain significance. Last evaluated: 2022-02-01. Review status: criteria provided, single submitter. Criteria: Invitae Variant Classification Sherloc (09022015). Collection method: clinical testing. Allele origin: germline.
Comment: In summary, the available evidence is currently insufficient to determine the role of this variant in disease. Therefore, it has been classified as a Variant of Uncertain Significance. Algorithms developed to predict the effect of missense changes on protein structure and function output the following: SIFT: "Tolerated"; PolyPhen-2: "Benign"; Align-GVGD: "Class C0". The isoleucine amino acid residue is found in multiple mammalian species, which suggests that this missense change does not adversely affect protein function. This variant has not been reported in the literature in individuals affected with C5-related conditions. This variant is not present in population databases (gnomAD no frequency). This sequence change replaces valine, which is neutral and non-polar, with isoleucine, which is neutral and non-polar, at codon 134 of the C5 protein (p.Val134Ile).

NM_001735.3(C5):c.400G>A (p.Val134Ile)

Gene: C5 (complement C5; minus strand). Cytogenetic location: 9q33.2.
Variant type: single nucleotide variant.
Coding change: c.400G>A on transcript NM_001735.3 (MANE Select); coding-DNA position 400, G replaced by A.
Protein change: p.Val134Ile; replaces valine 134 with isoleucine.
Molecular consequence: missense variant.
Genome position (GRCh38, 1-based): chr9:121,043,025, C>T on the plus strand (G>A on the coding strand, the complement: C5 is on the minus strand). VCF-style: chr9-121043025-C-T. GRCh37 (hg19) VCF-style: chr9-123805303-C-T.
Other names: c.418G>A, p.Val140Ile (NM_001317163.2); c.400G>A, p.Val134Ile (NM_001317164.2); short protein forms V134I, V140I.
Identifiers: ClinVar variation 1922670 (VCV001922670.5), dbSNP rs2047594261, ClinGen allele CA374729463.